The following is an entry in ClinVar:

NM_000238.4(KCNH2):c.3448C>A (p.Leu1150Met)

Gene: KCNH2 (potassium voltage-gated channel subfamily H member 2; minus strand). Cytogenetic location: 7q36.1.
Variant type: single nucleotide variant.
Coding change: c.3448C>A on transcript NM_000238.4 (MANE Select); coding-DNA position 3448, C replaced by A.
Protein change: p.Leu1150Met; replaces leucine 1150 with methionine.
Molecular consequence: missense variant.
Genome position (GRCh38, 1-based): chr7:150,945,397, G>T on the plus strand (C>A on the coding strand, the complement: KCNH2 is on the minus strand). VCF-style: chr7-150945397-G-T. GRCh37 (hg19) VCF-style: chr7-150642485-G-T.
Other names: c.2428C>A, p.Leu810Met (NM_172057.3); short protein forms L810M, L1150M.
Identifiers: ClinVar variation 456931 (VCV000456931.46), dbSNP rs754883792, ClinGen allele CA039050.

ClinVar aggregate classification (germline): Conflicting classifications of pathogenicity. Review status: criteria provided, conflicting classifications (1 of 4 stars). 7 submissions from 7 submitters: Uncertain significance (5); Likely benign (1). 1 of the submissions does not count toward it. Last evaluated 2025-10-20.

Conditions:
Cardiac arrhythmia. Also called: Arrhythmia; Cardiac rhythm disease. Identifiers: MedGen C0003811, MONDO:0007263, HP:0011675.
KCNH2-related disorder. Also called: KCNH2-related condition; KCNH2-related disorders.
Long QT syndrome (LQTS). Identifiers: MedGen C0023976, MeSH D008133, MONDO:0002442. Disease mechanism: loss of function. Inheritance: Various modes of inheritance.
Cardiovascular phenotype. Identifiers: MedGen CN230736.

Allele frequency attached by ClinVar (database versions not stated): gnomAD 0.00001; gnomAD exomes 0.00002 and 0.00006; TOPMed 0.00002; ExAC 0.00026.
gnomAD v4.1: 35 of 1,587,108 alleles (0.0022%); highest among the groups gnomAD compares: Middle Eastern, 0.43%; no homozygotes.

Submissions (7):

Labcorp Genetics (formerly Invitae), Labcorp
Classification: Uncertain significance for Long QT syndrome. Last evaluated: 2025-10-20. Review status: criteria provided, single submitter. Criteria: Invitae Variant Classification Sherloc (09022015). Collection method: clinical testing. Allele origin: germline.
Comment: This sequence change replaces leucine, which is neutral and non-polar, with methionine, which is neutral and non-polar, at codon 1150 of the KCNH2 protein (p.Leu1150Met). This variant is present in population databases (rs754883792, gnomAD 0.005%). This missense change has been observed in individual(s) with clinical features of KCNH2-related conditions (PMID: 30615648). ClinVar contains an entry for this variant (Variation ID: 456931). An algorithm developed to predict the effect of missense changes on protein structure and function (PolyPhen-2) suggests that this variant is likely to be disruptive. In summary, the available evidence is currently insufficient to determine the role of this variant in disease. Therefore, it has been classified as a Variant of Uncertain Significance.

CeGaT Center for Human Genetics Tuebingen
Classification: Likely benign. Last evaluated: 2025-01-01. Review status: criteria provided, single submitter. Criteria: CeGaT Center For Human Genetics Tuebingen Variant Classification Criteria Version 2. Collection method: clinical testing. Allele origin: germline. Affected: yes. Observed: 6 variant alleles.
Comment: KCNH2: BS1

All of Us Research Program, National Institutes of Health
Classification: Uncertain significance for Long QT syndrome. Last evaluated: 2024-08-13. Review status: criteria provided, single submitter. Criteria: ACMG Guidelines, 2015. Collection method: clinical testing. Allele origin: germline. Inheritance: Autosomal dominant inheritance. Observed: 8 variant alleles, 8 heterozygotes.
Comment: This missense variant replaces leucine with methionine at codon 1150 of the KCNH2 protein. Computational prediction is inconclusive regarding the impact of this variant on protein structure and function (internally defined REVEL score threshold 0.5 < inconclusive < 0.7, PMID: 27666373). To our knowledge, functional studies have not been reported for this variant. This variant has not been reported in individuals affected with cardiovascular disorders in the literature. This variant has been identified in 11/199644 chromosomes in the general population by the Genome Aggregation Database (gnomAD). The available evidence is insufficient to determine the role of this variant in disease conclusively. Therefore, this variant is classified as a Variant of Uncertain Significance.

This study involves interpretation of variants in research participants for the purpose of population health screening. Participant phenotype was not available at the time of variant classification. Additional details can be found in publication PMID: 35346344, PMCID: PMC8962531

Color Diagnostics, LLC DBA Color Health
Classification: Uncertain significance for Cardiac arrhythmia. Last evaluated: 2024-07-24. Review status: criteria provided, single submitter. Criteria: ACMG Guidelines, 2015. Collection method: clinical testing. Allele origin: germline.
Comment: This missense variant replaces leucine with methionine at codon 1150 of the KCNH2 protein. Computational prediction tools indicate that this variant's impact on protein structure and function is inconclusive. To our knowledge, functional studies have not been reported for this variant. This variant has been reported in a fetus affected with stillbirth (PMID: 30615648). This variant has been identified in 11/199644 chromosomes in the general population by the Genome Aggregation Database (gnomAD). The available evidence is insufficient to determine the role of this variant in disease conclusively. Therefore, this variant is classified as a Variant of Uncertain Significance.

Ambry Genetics
Classification: Uncertain significance for Cardiovascular phenotype. Last evaluated: 2021-06-17. Review status: criteria provided, single submitter. Criteria: Ambry Variant Classification Scheme 2023. Collection method: clinical testing. Allele origin: germline.
Comment: The p.L1150M variant (also known as c.3448C>A), located in coding exon 15 of the KCNH2 gene, results from a C to A substitution at nucleotide position 3448. The leucine at codon 1150 is replaced by methionine, an amino acid with highly similar properties, and is located in the cytoplasmic C-terminal region. This amino acid position is highly conserved in available vertebrate species. In addition, the in silico prediction for this alteration is inconclusive. Since supporting evidence is limited at this time, the clinical significance of this alteration remains unclear.

GeneDx
Classification: Uncertain significance. Last evaluated: 2019-09-09. Review status: criteria provided, single submitter. Criteria: GeneDx Variant Classification Process June 2021. Collection method: clinical testing. Allele origin: germline. Affected: yes.
Comment: Reported in ClinVar as a variant of uncertain significance but additional evidence is not available (ClinVar Variant ID 456931; Landrum et al., 2016); In silico analysis, which includes protein predictors and evolutionary conservation, supports that this variant does not alter protein structure/function; This variant is associated with the following publications: (PMID: 30615648)

PreventionGenetics, part of Exact Sciences
Classification: Uncertain significance for KCNH2-related condition. Last evaluated: 2024-03-14. Review status: no assertion criteria provided. Collection method: clinical testing. Allele origin: germline. Not counted in ClinVar's aggregate classification.
Comment: The KCNH2 c.3448C>A variant is predicted to result in the amino acid substitution p.Leu1150Met. To our knowledge, this variant has not been reported in the literature. This variant is reported in 0.011% of alleles in individuals of Ashkenazi Jewish descent in gnomAD. At this time, the clinical significance of this variant is uncertain due to the absence of conclusive functional and genetic evidence.

Literature cited by the submitters: PubMed 30615648 (cited by Labcorp Genetics (formerly Invitae), Labcorp and Color Diagnostics, LLC DBA Color Health).